The following is an entry in ClinVar:

NM_002691.4(POLD1):c.2717+5T>C

Gene: POLD1 (DNA polymerase delta 1, catalytic subunit; plus strand). Cytogenetic location: 19q13.33.
Variant type: single nucleotide variant.
Coding change: c.2717+5T>C on transcript NM_002691.4 (MANE Select); 5 bases into the intron after coding-DNA position 2717, T replaced by C.
Molecular consequence: intron variant.
Genome position (GRCh38, 1-based): chr19:50,415,595, T>C. VCF-style: chr19-50415595-T-C. GRCh37 (hg19) VCF-style: chr19-50918852-T-C.
Other names: c.2717+5T>C (NM_001256849.1, LRG_785t1, NM_002691.2); c.2795+5T>C (NM_001308632.1, LRG_785t2).
Identifiers: ClinVar variation 537110 (VCV000537110.9), dbSNP rs1555793089, ClinGen allele CA658799271.

ClinVar aggregate classification (germline): Uncertain significance. Review status: criteria provided, multiple submitters, no conflicts (2 of 4 stars). 2 submissions from 2 submitters: Uncertain significance (2). Last evaluated 2026-07-24.

Conditions:
Hereditary cancer-predisposing syndrome. Also called: Hereditary Cancer Syndrome; Tumor predisposition; Hereditary neoplastic syndrome; Neoplastic Syndromes, Hereditary. Identifiers: Orphanet 140162, MedGen C0027672, MeSH D009386, MONDO:0015356.
POLD1-related polyposis and colorectal cancer syndrome (CRCS10). Also called: Colorectal cancer 10; Colorectal cancer, susceptibility to, 10; COLORECTAL CANCER, SUSCEPTIBILITY TO, ON CHROMOSOME 19q. Identifiers: Orphanet 220460, MedGen C2675481, MONDO:0012953, OMIM 612591.

Allele frequency attached by ClinVar (database versions not stated): gnomAD exomes below 0.00001.
gnomAD v4.1: 3 of 1,609,236 alleles (0.00019%); highest among the groups gnomAD compares: Non-Finnish European, 0.00025%; no homozygotes.

Submissions (2):

Ambry Genetics
Classification: Uncertain significance for Hereditary cancer-predisposing syndrome. Last evaluated: 2026-07-24. Review status: criteria provided, single submitter. Criteria: Ambry Variant Classification Scheme 2023. Collection method: clinical testing. Allele origin: germline.
Comment: The c.2717+5T>C intronic variant results from a T to C substitution 5 nucleotides after coding exon 20 in the POLD1 gene. This nucleotide position is not conserved on limited sequence alignment. In silico splice site analysis predicts that this alteration will not have any significant effect on splicing. Based on the available evidence, the clinical significance of this variant remains unclear.

Labcorp Genetics (formerly Invitae), Labcorp
Classification: Uncertain significance for POLD1-related polyposis and colorectal cancer syndrome. Last evaluated: 2024-08-21. Review status: criteria provided, single submitter. Criteria: Invitae Variant Classification Sherloc (09022015). Collection method: clinical testing. Allele origin: germline.
Comment: This sequence change falls in intron 21 of the POLD1 gene. It does not directly change the encoded amino acid sequence of the POLD1 protein. It affects a nucleotide within the consensus splice site. This variant is not present in population databases (gnomAD no frequency). This variant has not been reported in the literature in individuals affected with POLD1-related conditions. ClinVar contains an entry for this variant (Variation ID: 537110). Variants that disrupt the consensus splice site are a relatively common cause of aberrant splicing (PMID: 17576681, 9536098). Algorithms developed to predict the effect of sequence changes on RNA splicing suggest that this variant is not likely to affect RNA splicing. In summary, the available evidence is currently insufficient to determine the role of this variant in disease. Therefore, it has been classified as a Variant of Uncertain Significance.

Literature cited by the submitters: PubMed 17576681 (cited by Labcorp Genetics (formerly Invitae), Labcorp); PubMed 9536098 (cited by Labcorp Genetics (formerly Invitae), Labcorp).